The following is an entry in ClinVar:

ClinVar aggregate classification (germline): Uncertain significance (1 of 4 stars; one submission).

Allele frequency attached by ClinVar (database versions not stated): gnomAD exomes below 0.00001; TOPMed 0.00001; ExAC 0.00002.

Submission:

Labcorp Genetics (formerly Invitae), Labcorp
Classification: Uncertain significance. Last evaluated: 2025-10-01. Review status: criteria provided, single submitter. Criteria: Invitae Variant Classification Sherloc (09022015). Collection method: clinical testing. Allele origin: germline.
Comment: This sequence change replaces valine, which is neutral and non-polar, with leucine, which is neutral and non-polar, at codon 357 of the CEP78 protein (p.Val357Leu). This variant also falls at the last nucleotide of exon 8, which is part of the consensus splice site for this exon. The frequency data for this variant in the population databases is considered unreliable, as metrics indicate poor data quality at this position in the gnomAD database. This variant has not been reported in the literature in individuals affected with CEP78-related conditions. ClinVar contains an entry for this variant (Variation ID: 1920075). An algorithm developed to predict the effect of missense changes on protein structure and function (PolyPhen-2) suggests that this variant is likely to be tolerated. Variants that disrupt the consensus splice site are a relatively common cause of aberrant splicing (PMID: 17576681, 9536098). Algorithms developed to predict the effect of sequence changes on RNA splicing suggest that this variant may disrupt the consensus splice site. In summary, the available evidence is currently insufficient to determine the role of this variant in disease. Therefore, it has been classified as a Variant of Uncertain Significance.

Literature cited by the submitters: PubMed 17576681; PubMed 9536098.

NM_001330691.3(CEP78):c.1069G>T (p.Gly357Ter)

Gene: CEP78 (centrosomal protein 78; plus strand). Cytogenetic location: 9q21.2.
Variant type: single nucleotide variant.
Coding change: c.1069G>T on transcript NM_001330691.3 (MANE Select); coding-DNA position 1069, G replaced by T.
Protein change: p.Gly357Ter; replaces glycine 357 with a stop codon.
Molecular consequence: nonsense. On other transcripts: missense variant (4).
Genome position (GRCh38, 1-based): chr9:78,248,873, G>T. VCF-style: chr9-78248873-G-T. GRCh37 (hg19) VCF-style: chr9-80863789-G-T.
Other names: c.1069G>T, p.Val357Leu (NM_001098802.3, NM_001349839.2, NM_001349840.2 and 1 more transcripts); c.1069G>T, p.Gly357Ter (NM_001330693.3, NM_001330694.2, NM_001349838.2); short protein forms V357L, G357*.
Identifiers: ClinVar variation 1920075 (VCV001920075.5), dbSNP rs756685748, ClinGen allele CA5095124.
Genomic context (GRCh38, chr9:78,248,873, plus strand): 5'-CAGAAAAGGAGAACTATAATTCTAGGAAGTGGTCACAAAGGAAAAGCTACTATTAGAATT[G>T]GTAACCTTTTCTGTCTTGGCTTTTTAATGCTACTAGTGTTCTAGTGTGTTAAAATTAAAA-3'